The following is an entry in ClinVar:

ClinVar aggregate classification (germline): Likely benign (1 of 4 stars; one submission).

Submission:

Laboratory for Molecular Medicine, Mass General Brigham Personalized Medicine
Classification: Likely benign. Last evaluated: 2010-12-20. Review status: criteria provided, single submitter. Criteria: LMM Criteria. Collection method: clinical testing. Allele origin: germline. Observed: 2 variant alleles.
Comment: p.Ser1782Ser in exon 33 of PCDH15: This variant is not expected to have clinical significance because it does not alter an amino acid residue and is not located near a splice junction.

NM_033056.4(PCDH15):c.5346T>A (p.Ser1782=)

Gene: PCDH15 (protocadherin related 15; minus strand). Cytogenetic location: 10q21.1.
Variant type: single nucleotide variant.
Coding change: c.5346T>A on transcript NM_033056.4 (MANE Plus Clinical); coding-DNA position 5346, T replaced by A.
Protein change: p.Ser1782=; no amino-acid change (serine 1782 retained).
Molecular consequence: synonymous variant. On other transcripts: intron variant (8).
Genome position (GRCh38, 1-based): chr10:53,822,380, A>T on the plus strand (T>A on the coding strand, the complement: PCDH15 is on the minus strand). VCF-style: chr10-53822380-A-T. GRCh37 (hg19) VCF-style: chr10-55582140-A-T.
Other names: c.5367T>A, p.Ser1789= (NM_001142763.2); c.5352T>A, p.Ser1784= (NM_001142764.2); c.5139T>A, p.Ser1713= (NM_001142765.2); c.5337T>A, p.Ser1779= (NM_001142766.2); c.5226T>A, p.Ser1742= (NM_001142767.2); c.5286T>A, p.Ser1762= (NM_001142768.2); c.5277T>A, p.Ser1759= (NM_001142773.2); c.5280T>A, p.Ser1760= (NM_001354404.2); and 7 more.
Identifiers: ClinVar variation 46496 (VCV000046496.5), dbSNP rs397517468, ClinGen allele CA138465.
Genomic context (GRCh38, chr10:53,822,380, plus strand): 5'-CGTTGAAACGGAAAGTGGAAAAAATGTAGGAGGAGGAAGAGGAAGAGGGATAGAAGGAGG[A>T]GAGGGAGGAGGACAAAAAAGAGAAAAAGGAGAAATGTCAGGAGGAGGAGCAAGAGGAGCA-3'
Protein context (NP_149045.3, residues 1772-1792): SPFSLFCPPP[Ser1782=]PPSIPLPLPP